The following is an entry in ClinVar:

ClinVar aggregate classification (germline): Uncertain significance (1 of 4 stars; one submission).

Submission:

Ambry Genetics
Classification: Uncertain significance. Last evaluated: 2022-10-22. Review status: criteria provided, single submitter. Criteria: Ambry Variant Classification Scheme 2023. Collection method: clinical testing. Allele origin: germline.
Comment: The p.Q1072P variant (also known as c.3215A>C), located in coding exon 18 of the PALLD gene, results from an A to C substitution at nucleotide position 3215. The glutamine at codon 1072 is replaced by proline, an amino acid with similar properties. This amino acid position is conserved. In addition, this alteration is predicted to be deleterious by in silico analysis. Since supporting evidence is limited at this time, the clinical significance of this alteration remains unclear.

NM_001166108.2(PALLD):c.3266A>C (p.Gln1089Pro)

Genes: PALLD (palladin, cytoskeletal associated protein; plus strand), CBR4 (carbonyl reductase 4; minus strand). Cytogenetic location: 4q32.3.
Variant type: single nucleotide variant.
Coding change: c.3266A>C on transcript NM_001166108.2 (MANE Select); coding-DNA position 3266, A replaced by C.
Protein change: p.Gln1089Pro; replaces glutamine 1089 with proline.
Molecular consequence: missense variant.
Genome position (GRCh38, 1-based): chr4:168,924,986, A>C. VCF-style: chr4-168924986-A-C. GRCh37 (hg19) VCF-style: chr4-169846137-A-C.
Other names: c.2069A>C, p.Gln690Pro (NM_001166109.2); c.1754A>C, p.Gln585Pro (NM_001166110.2); c.1094A>C, p.Gln365Pro (NM_001367567.1, NM_001367569.1); c.1145A>C, p.Gln382Pro (NM_001367568.1, NM_001367570.1); c.3215A>C, p.Gln1072Pro (NM_016081.4); short protein forms Q382P, Q1089P, Q585P, Q365P, Q1072P, Q690P.
Identifiers: ClinVar variation 1728978 (VCV001728978.2), dbSNP rs1582249773, ClinGen allele CA358713699.